The following is an entry in ClinVar:

ClinVar aggregate classification (germline): Pathogenic/Likely pathogenic. Review status: criteria provided, multiple submitters, no conflicts (2 of 4 stars). 5 submissions from 5 submitters: Pathogenic (2); Likely pathogenic (3). Last evaluated 2025-09-10.

Conditions:
Polycystic liver disease 4 with or without kidney cysts. Identifiers: MedGen C4693479, MONDO:0044327, OMIM 617875.
Osteoporosis with pseudoglioma (OPPG). Also called: osteoporosis-pseudoglioma syndrome. Identifiers: Orphanet 2788, MedGen C0432252, MONDO:0009820, OMIM 259770.
Exudative vitreoretinopathy 4 (EVR4). Identifiers: Orphanet 891, MedGen C1866176, MONDO:0011151, OMIM 601813.
Autosomal dominant osteopetrosis 1 (OPTA1). Also called: OSTEOPETROSIS, AUTOSOMAL DOMINANT, TYPE I. Identifiers: Orphanet 2783, MedGen C1843330, MONDO:0011877, OMIM 607634.
Worth disease. Also called: ENDOSTEAL HYPEROSTOSIS, AUTOSOMAL DOMINANT; OSTEOSCLEROSIS, AUTOSOMAL DOMINANT; Autosomal dominant osteosclerosis, Worth type. Identifiers: Orphanet 2790, MedGen C0432273, MONDO:0007764, OMIM 144750.
Bone mineral density quantitative trait locus 1 (BMND1). Identifiers: MedGen C1866079, OMIM 601884.
LRP5-related disorder. Also called: LRP5-related condition.

Submissions (5):

Labcorp Genetics (formerly Invitae), Labcorp
Classification: Pathogenic. Last evaluated: 2025-09-10. Review status: criteria provided, single submitter. Criteria: Invitae Variant Classification Sherloc (09022015). Collection method: clinical testing. Allele origin: germline.
Comment: This sequence change creates a premature translational stop signal (p.Phe70*) in the LRP5 gene. It is expected to result in an absent or disrupted protein product. Loss-of-function variants in LRP5 are known to be pathogenic (PMID: 11719191, 16252235, 25711638). Information on the frequency of this variant in the gnomAD database is not available, as this variant may be reported differently in the database. This premature translational stop signal has been observed in individual(s) with clinical features of osteoporosis-pseudoglioma syndrome (PMID: 16252235). ClinVar contains an entry for this variant (Variation ID: 865885). For these reasons, this variant has been classified as Pathogenic.

PreventionGenetics, part of Exact Sciences
Classification: Likely pathogenic for LRP5-related condition. Last evaluated: 2024-12-17. Review status: criteria provided, single submitter. Criteria: ACMG Guidelines, 2015. Collection method: clinical testing. Allele origin: germline.
Comment: The LRP5 c.209_210delinsAA variant is predicted to result in premature protein termination (p.Phe70*). This variant has been reported along with a second LRP5 variant in an individual with osteoporosis-pseudoglioma syndrome (Ai et al. 2005. PubMed ID: 16252235). This variant is absent in a large population database (gnomAD), indicating this variant is rare. Nonsense variants in LRP5 are an established mechanism of disease. This variant is interpreted as likely pathogenic.

Fulgent Genetics
Classification: Pathogenic for Worth disease; Osteoporosis with pseudoglioma; Exudative vitreoretinopathy 4; Bone mineral density quantitative trait locus 1; Autosomal dominant osteopetrosis 1; Polycystic liver disease 4 with or without kidney cysts. Last evaluated: 2024-03-14. Review status: criteria provided, single submitter. Criteria: ACMG Guidelines, 2015. Collection method: clinical testing. Allele origin: germline.

Greenwood Genetic Center Diagnostic Laboratories, Greenwood Genetic Center
Classification: Likely pathogenic. Last evaluated: 2020-08-17. Review status: criteria provided, single submitter. Criteria: ACMG Guidelines, 2015. Collection method: clinical testing. Allele origin: germline. Affected: yes.

Blueprint Genetics
Classification: Likely pathogenic for LRP5-related disorders. Last evaluated: 2019-02-15. Review status: criteria provided, single submitter. Criteria: ACMG Guidelines, 2015. Collection method: clinical testing. Allele origin: germline. Affected: yes. Observed: 1 variant allele.

Literature cited by the submitters: PubMed 11719191 (cited by Labcorp Genetics (formerly Invitae), Labcorp); PubMed 16252235 (cited by Labcorp Genetics (formerly Invitae), Labcorp); PubMed 25711638 (cited by Labcorp Genetics (formerly Invitae), Labcorp).

NM_002335.4(LRP5):c.209_210delinsAA (p.Phe70Ter)

Gene: LRP5 (LDL receptor related protein 5; plus strand). Cytogenetic location: 11q13.2.
Variant type: Indel.
Coding change: c.209_210delinsAA on transcript NM_002335.4 (MANE Select); coding-DNA positions 209 to 210, TC replaced by AA.
Protein change: p.Phe70Ter; replaces phenylalanine 70 with a stop codon.
Molecular consequence: nonsense. On other transcripts: 5 prime UTR variant (1).
Genome position (GRCh38, 1-based): chr11:68,347,964-68,347,965, TC replaced by AA. VCF-style: chr11-68347964-TC-AA. GRCh37 (hg19) VCF-style: chr11-68115432-TC-AA.
Other names: c.-1557_-1556delinsAA (NM_001291902.2); short protein forms F70*.
Identifiers: ClinVar variation 865885 (VCV000865885.14), dbSNP rs2098614719, ClinGen allele CA916083252.